The following is an entry in ClinVar:

NM_000518.5(HBB):c.*110T>A

Genes: HBB (hemoglobin subunit beta; minus strand), LOC107133510 (origin of replication at HBB; plus strand), LOC110006319 (beta-globin gene 3' regulatory region; plus strand). Cytogenetic location: 11p15.4.
Variant type: single nucleotide variant.
Coding change: c.*110T>A on transcript NM_000518.5 (MANE Select); 110 bases downstream of the stop codon, T replaced by A.
Molecular consequence: 3 prime UTR variant.
Genome position (GRCh38, 1-based): chr11:5,225,488, A>T on the plus strand (T>A on the coding strand, the complement: HBB is on the minus strand). VCF-style: chr11-5225488-A-T. GRCh37 (hg19) VCF-style: chr11-5246718-A-T.
Other names: 3-UNT, T-A, +3; c.*110T>A (NM_000518.4).
Identifiers: ClinVar variation 15616 (VCV000015616.2), dbSNP rs33978907, ClinGen allele CA217112088.
Genomic context (GRCh38, chr11:5,225,488, plus strand): 5'-TTTAGTAAAATATTCAGAAATAATTTAAATACATCATTGCAATGAAAATAAATGTTTTTT[A>T]TTAGGCAGAATCCAGATGCTCAAGGCCCTTCATAATATCCCCCAGTTTAGTAGTTGGACT-3'

ClinVar aggregate classification (germline): Pathogenic. Review status: criteria provided, single submitter (1 of 4 stars). 2 submissions from 2 submitters: Pathogenic (1). 1 of the submissions does not count toward it. Last evaluated 2025-10-03.

Conditions:
BETA-PLUS-THALASSEMIA. Identifiers: MedGen C3841475.

Submissions (2):

Quest Diagnostics Nichols Institute San Juan Capistrano
Classification: Pathogenic. Last evaluated: 2025-10-03. Review status: criteria provided, single submitter. Criteria: Quest Diagnostics criteria. Collection method: clinical testing. Allele origin: unknown.
Comment: The HBB c.*110T>A variant has been reported in the published literature in (also known Poly A (T>A) or AATAAA->AAAAAA) is located in the 3'-untranslated region of the beta-globin mRNA and disrupts the polyadenylation signal. This variant has been reported in published literature in the homozygous or compound heterozygous state in individuals with beta thalassemia intermedia (PMID: 15481893 (2004), 28592168 (2017)). Experimental studies on another variant at the same location (c.*110T>C) showed inefficient cleavage and polyadenylation of the beta-globin mRNA (PMID: 4018033 (1985)). This variant has not been reported in large, multi-ethnic general populations (Genome Aggregation Database). Based on the available information, this variant is classified as pathogenic.

OMIM
Classification: Pathogenic for BETA-PLUS-THALASSEMIA. Last evaluated: 2004-08-01. Review status: no assertion criteria provided. Collection method: literature only. Allele origin: germline. Not counted in ClinVar's aggregate classification.

Literature cited by the submitters: PubMed 15481893 (cited by Quest Diagnostics Nichols Institute San Juan Capistrano and OMIM); PubMed 28592168 (cited by Quest Diagnostics Nichols Institute San Juan Capistrano).